The following is an entry in ClinVar:

NM_002397.5(MEF2C):c.258+2T>C

Gene: MEF2C (myocyte enhancer factor 2C; minus strand). Cytogenetic location: 5q14.3.
Variant type: single nucleotide variant.
Coding change: c.258+2T>C on transcript NM_002397.5 (MANE Select); the canonical splice donor site of the intron after coding-DNA position 258, T replaced by C.
Molecular consequence: splice donor variant.
Genome position (GRCh38, 1-based): chr5:88,804,596, A>G on the plus strand (T>C on the coding strand, the complement: MEF2C is on the minus strand). VCF-style: chr5-88804596-A-G. GRCh37 (hg19) VCF-style: chr5-88100413-A-G.
Other names: c.258+2T>C (NM_001364333.2, NM_001193350.2, NM_001364344.2 and 29 more transcripts).
Identifiers: ClinVar variation 2752188 (VCV002752188.3), dbSNP rs1554139674, ClinGen allele CA360424749.

ClinVar aggregate classification (germline): Pathogenic (1 of 4 stars; one submission).

Conditions:
Neurodevelopmental disorder with hypotonia, stereotypic hand movements, and impaired language. Also called: Intellectual disability, autosomal dominant 20. Identifiers: Orphanet 228384, Orphanet 664410, MedGen C3150700, MONDO:0013266, OMIM 613443.

Submission:

Labcorp Genetics (formerly Invitae), Labcorp
Classification: Pathogenic for Neurodevelopmental disorder with hypotonia, stereotypic hand movements, and impaired language. Last evaluated: 2023-08-11. Review status: criteria provided, single submitter. Criteria: Invitae Variant Classification Sherloc (09022015). Collection method: clinical testing. Allele origin: germline.
Comment: This sequence change affects a donor splice site in intron 3 of the MEF2C gene. It is expected to disrupt RNA splicing. Variants that disrupt the donor or acceptor splice site typically lead to a loss of protein function (PMID: 16199547), and loss-of-function variants in MEF2C are known to be pathogenic (PMID: 20513142). This variant is not present in population databases (gnomAD no frequency). Disruption of this splice site has been observed in individuals with clinical features of MEF2C-related conditions (Invitae). Algorithms developed to predict the effect of sequence changes on RNA splicing suggest that this variant may disrupt the consensus splice site. For these reasons, this variant has been classified as Pathogenic.

Literature cited by the submitters: PubMed 16199547; PubMed 20513142.